The following is an entry in ClinVar:

ClinVar aggregate classification (germline): Uncertain significance. Review status: criteria provided, multiple submitters, no conflicts (2 of 4 stars). 5 submissions from 5 submitters: Uncertain significance (5). Last evaluated 2026-09-17.

Conditions:
Inborn genetic diseases. Identifiers: MedGen C0950123, MeSH D030342.
Vici syndrome (VICIS). Identifiers: Orphanet 1493, MedGen C1855772, MONDO:0009452, OMIM 242840.

Allele frequency attached by ClinVar (database versions not stated): gnomAD 0.00051 and 0.00044; gnomAD exomes 0.00009 and 0.00004; ExAC 0.00012; ESP Exome Variant Server 0.00017; TOPMed 0.00048.
gnomAD v4.1: 130 of 1,613,188 alleles (0.0081%); highest among the groups gnomAD compares: African/African-American, 0.15%; no homozygotes.

Submissions (5):

GeneDx
Classification: Uncertain significance. Last evaluated: 2026-09-17. Review status: criteria provided, single submitter. Criteria: GeneDx Variant Classification Process June 2021. Collection method: clinical testing. Allele origin: germline.
Comment: In silico analysis supports that this missense variant has a deleterious effect on protein structure/function; Has not been previously published as pathogenic or benign to our knowledge

Women's Health and Genetics/Laboratory Corporation of America, LabCorp
Classification: Uncertain significance. Last evaluated: 2025-10-15. Review status: criteria provided, single submitter. Criteria: LabCorp Variant Classification Summary - May 2015. Collection method: clinical testing. Allele origin: germline.
Comment: Variant summary: EPG5 c.1435C>T (p.Leu479Phe) results in a non-conservative amino acid change in the encoded protein sequence. Algorithms developed to predict the effect of missense changes on protein structure and function all suggest that this variant is likely to be disruptive. The variant allele was found at a frequency of 9.2e-05 in 249348 control chromosomes, predominantly at a frequency of 0.0013 within the African or African-American subpopulation in the gnomAD database. This frequency is not significantly higher than estimated for disease-causing variants in EPG5, allowing no conclusion about variant significance. To our knowledge, no occurrence of c.1435C>T in individuals affected with EPG5-related conditions and no experimental evidence demonstrating its impact on protein function have been reported. ClinVar contains an entry for this variant (Variation ID: 567082). Based on the evidence outlined above, the variant was classified as uncertain significance.

Blueprint Genetics
Classification: Uncertain significance. Last evaluated: 2024-06-27. Review status: criteria provided, single submitter. Criteria: ACMG Guidelines, 2015. Collection method: clinical testing. Allele origin: germline.

Labcorp Genetics (formerly Invitae), Labcorp
Classification: Uncertain significance for Vici syndrome. Last evaluated: 2024-06-06. Review status: criteria provided, single submitter. Criteria: Invitae Variant Classification Sherloc (09022015). Collection method: clinical testing. Allele origin: germline.
Comment: This sequence change replaces leucine, which is neutral and non-polar, with phenylalanine, which is neutral and non-polar, at codon 479 of the EPG5 protein (p.Leu479Phe). This variant is present in population databases (rs200364337, gnomAD 0.1%). This variant has not been reported in the literature in individuals affected with EPG5-related conditions. ClinVar contains an entry for this variant (Variation ID: 567082). Advanced modeling of protein sequence and biophysical properties (such as structural, functional, and spatial information, amino acid conservation, physicochemical variation, residue mobility, and thermodynamic stability) performed at Invitae indicates that this missense variant is expected to disrupt EPG5 protein function with a positive predictive value of 80%. In summary, the available evidence is currently insufficient to determine the role of this variant in disease. Therefore, it has been classified as a Variant of Uncertain Significance.

Ambry Genetics
Classification: Uncertain significance for Inborn genetic diseases. Last evaluated: 2024-04-22. Review status: criteria provided, single submitter. Criteria: Ambry Variant Classification Scheme 2023. Collection method: clinical testing. Allele origin: germline.

NM_020964.3(EPG5):c.1435C>T (p.Leu479Phe)

Gene: EPG5 (ectopic P-granules 5 autophagy tethering factor; minus strand). Cytogenetic location: 18q21.1.
Variant type: single nucleotide variant.
Coding change: c.1435C>T on transcript NM_020964.3 (MANE Select); coding-DNA position 1435, C replaced by T.
Protein change: p.Leu479Phe; replaces leucine 479 with phenylalanine.
Molecular consequence: missense variant.
Genome position (GRCh38, 1-based): chr18:45,949,546, G>A on the plus strand (C>T on the coding strand, the complement: EPG5 is on the minus strand). VCF-style: chr18-45949546-G-A. GRCh37 (hg19) VCF-style: chr18-43529512-G-A.
Other names: c.1435C>T, p.Leu479Phe (LRG_1234t1); short protein forms L479F.
Identifiers: ClinVar variation 567082 (VCV000567082.19), dbSNP rs200364337, ClinGen allele CA8949726.
Genomic context (GRCh38, chr18:45,949,546, plus strand): 5'-GGATAAAAGGAACAGCCCATTTACTAACACCAGCGGGGCATCGAAGAATATGGTTTAGAA[G>A]GAAGAGGTGATCTCCAGGACAGCCAACTCTTTGTAGCACGGATACCTGAACAATAAAGGT-3'
Protein context (NP_066015.2, residues 469-489): RVGCPGDHLF[Leu479Phe]LNHILRCPAG